The following is an entry in ClinVar:

NM_173560.4(RFX6):c.1153C>T (p.Arg385Ter)

Gene: RFX6 (regulatory factor X6; plus strand). Cytogenetic location: 6q22.1.
Variant type: single nucleotide variant.
Coding change: c.1153C>T on transcript NM_173560.4 (MANE Select); coding-DNA position 1153, C replaced by T.
Protein change: p.Arg385Ter; replaces arginine 385 with a stop codon.
Molecular consequence: nonsense.
Genome position (GRCh38, 1-based): chr6:116,919,267, C>T. VCF-style: chr6-116919267-C-T. GRCh37 (hg19) VCF-style: chr6-117240430-C-T.
Other names: short protein forms R385*.
Identifiers: ClinVar variation 3384097 (VCV003384097.3).

ClinVar aggregate classification (germline): Pathogenic/Likely pathogenic. Review status: criteria provided, multiple submitters, no conflicts (2 of 4 stars). 3 submissions from 3 submitters: Pathogenic (2); Likely pathogenic (1). Last evaluated 2026-06-22.

Conditions:
RFX6-related disorder. Also called: RFX6-related condition.
Hypoplastic pancreas-intestinal atresia-hypoplastic gallbalder syndrome. Also called: DIABETES, NEONATAL, WITH PANCREATIC HYPOPLASIA, INTESTINAL ATRESIA, AND GALLBLADDER APLASIA OR HYPOPLASIA; Mitchell-Riley syndrome. Identifiers: Orphanet 293864, MedGen C2748662, MONDO:0017400, OMIM 615710.

Submissions (3):

PreventionGenetics, part of Exact Sciences
Classification: Pathogenic for RFX6-related condition. Last evaluated: 2026-06-22. Review status: criteria provided, single submitter. Criteria: ACMG Guidelines, 2015. Collection method: clinical testing. Allele origin: germline.
Comment: The RFX6 c.1153C>T variant is predicted to result in premature protein termination (p.Arg385*). This variant has been reported in the homozygous state in an individual with Mitchell-Riley syndrome (Khan et al. 2016. PubMed ID: 26761945). This variant has also been reported in an individual from a maturity-onset diabetes of the young cohort study (Table S3, Bonnefond et al. 2020. PubMed ID: 33046911). This variant has not been reported in a large population database (gnomAD), indicating this variant is rare. Nonsense variants in RFX6 are expected to be pathogenic. This variant is interpreted as pathogenic.

GeneDx
Classification: Pathogenic. Last evaluated: 2025-07-26. Review status: criteria provided, single submitter. Criteria: GeneDx Variant Classification Process June 2021. Collection method: clinical testing. Allele origin: germline. Affected: yes.
Comment: Nonsense variant predicted to result in protein truncation or nonsense mediated decay in a gene for which loss of function is a known mechanism of disease; Not observed at significant frequency in large population cohorts (gnomAD); This variant is associated with the following publications: (PMID: 33046911, 26761945)

Dubai Health Genomic Medicine Center, Dubai Health
Classification: Likely pathogenic for Mitchell-Riley syndrome. Last evaluated: 2024-10-04. Review status: criteria provided, single submitter. Criteria: ACMG Guidelines, 2015. Collection method: research. Allele origin: germline. Affected: yes.
Comment: PVS1,PM2